The following is an entry in ClinVar:

ClinVar aggregate classification (germline): Pathogenic. Review status: criteria provided, multiple submitters, no conflicts (2 of 4 stars). 9 submissions from 8 submitters: Pathogenic (8). 1 of the submissions does not count toward it. Last evaluated 2026-08-06.

Conditions:
Usher syndrome type 2A. Also called: USHER SYNDROME, TYPE IIA; RETINAL DISEASE IN USHER SYNDROME TYPE IIA, MODIFIER OF. Identifiers: Orphanet 231178, Orphanet 886, MedGen C1848634, MONDO:0010169, OMIM 276901.
Retinitis pigmentosa 39 (RP39). Identifiers: Orphanet 791, MedGen C3151138, MONDO:0013436, OMIM 613809.
USH2A-related disorder. Also called: USH2A-related disorders; USH2A-related condition. Identifiers: MedGen CN239332.

Submissions (9):

PreventionGenetics, part of Exact Sciences
Classification: Pathogenic for USH2A-related condition. Last evaluated: 2026-08-06. Review status: criteria provided, single submitter. Criteria: ACMG Guidelines, 2015. Collection method: clinical testing. Allele origin: germline.
Comment: The USH2A c.852_853delGA variant is predicted to result in a frameshift and premature protein termination (p.Glu284Aspfs*38). This variant is alternatively referred to as c.847_48delGA, p.Glu284fs; Ter@320 in the literature. This variant has been reported in multiple individuals with autosomal recessive Usher syndrome 2a or autosomal recessive retinitis pigmentosa (see for example, Seyedahmadi et al. 2004. PubMed ID: 15325563; Le Quesne Stabej et al. 2011. PubMed ID: 22135276; supplementary data, Bonnet et al. 2016. PubMed ID: 27460420). This variant is reported in 0.0065% of alleles in individuals of European (non-Finnish) descent in gnomAD. Frameshift variants in USH2A are expected to be pathogenic (see for example, Lenassi et al. 2015. PubMed ID: 25649381; Dreyer et al. 2000. PubMed ID: 10909849; Weston et al. 2000. PubMed ID: 10729113). This variant is consistently classified as pathogenic in ClinVar. This variant is interpreted as pathogenic.

Labcorp Genetics (formerly Invitae), Labcorp
Classification: Pathogenic. Last evaluated: 2025-08-16. Review status: criteria provided, single submitter. Criteria: Invitae Variant Classification Sherloc (09022015). Collection method: clinical testing. Allele origin: germline.
Comment: This sequence change creates a premature translational stop signal (p.Glu284Aspfs*38) in the USH2A gene. It is expected to result in an absent or disrupted protein product. Loss-of-function variants in USH2A are known to be pathogenic (PMID: 10729113, 10909849, 20507924, 25649381). This variant is present in population databases (no rsID available, gnomAD 0.007%). This premature translational stop signal has been observed in individual(s) with USH2A-related conditions (PMID: 15325563). ClinVar contains an entry for this variant (Variation ID: 553452). For these reasons, this variant has been classified as Pathogenic.

Natera, Inc.
Classification: Pathogenic for Usher syndrome type 2A. Last evaluated: 2025-06-26. Review status: criteria provided, single submitter. Criteria: Natera Variant Classification Schema (03/2026). Collection method: clinical testing. Allele origin: germline.
Comment: The c.852_853delGA variant in USH2A is a frameshift variant predicted to shift the reading frame beginning at codon 284 and leads to a stop codon 38 codons downstream. This variant is expected to result in nonsense mediated decay, truncation, or a dysfunctional protein product. This variant is rare in the general population with a frequency below the threshold expected for the associated phenotype(s). This variant has been observed in one or more individuals affected with the associated recessive disease, as either homozygous or compound heterozygous with a second variant (PMID: 27460420). Given the available evidence, this variant is classified as Pathogenic.

Baylor Genetics
Classification: Pathogenic for Retinitis pigmentosa 39. Last evaluated: 2024-03-28. Review status: criteria provided, single submitter. Criteria: ACMG Guidelines, 2015. Collection method: clinical testing. Allele origin: unknown.

Genome-Nilou Lab
Classification: Pathogenic for Retinitis pigmentosa 39. Last evaluated: 2023-04-11. Review status: criteria provided, single submitter. Criteria: ACMG Guidelines, 2015. Collection method: clinical testing. Allele origin: germline. Affected: no.

Genome-Nilou Lab
Classification: Pathogenic for Usher syndrome type 2A. Last evaluated: 2023-04-11. Review status: criteria provided, single submitter. Criteria: ACMG Guidelines, 2015. Collection method: clinical testing. Allele origin: germline. Affected: no.

GeneDx
Classification: Pathogenic. Last evaluated: 2022-09-22. Review status: criteria provided, single submitter. Criteria: GeneDx Variant Classification Process June 2021. Collection method: clinical testing. Allele origin: germline. Affected: yes.
Comment: Frameshift variant predicted to result in protein truncation or nonsense mediated decay in a gene for which loss-of-function is a known mechanism of disease; Not observed at a significant frequency in large population cohorts (gnomAD); This variant is associated with the following publications: (PMID: 15325563, 24944099, 22135276, 27460420)

Blueprint Genetics
Classification: Pathogenic for USH2A-related disorders. Last evaluated: 2019-05-16. Review status: criteria provided, single submitter. Criteria: ACMG Guidelines, 2015. Collection method: clinical testing. Allele origin: germline. Affected: yes. Observed: 3 variant alleles.

Counsyl
Classification: Pathogenic for Usher syndrome type 2A; Retinitis pigmentosa 39. Last evaluated: 2017-08-22. Review status: no assertion criteria provided. Collection method: clinical testing. Allele origin: unknown. Not counted in ClinVar's aggregate classification.

Literature cited by the submitters: PubMed 10729113 (cited by Labcorp Genetics (formerly Invitae), Labcorp); PubMed 10909849 (cited by Labcorp Genetics (formerly Invitae), Labcorp); PubMed 20507924 (cited by Labcorp Genetics (formerly Invitae), Labcorp); PubMed 25649381 (cited by Labcorp Genetics (formerly Invitae), Labcorp); PubMed 15325563 (cited by Labcorp Genetics (formerly Invitae), Labcorp); PubMed 27460420 (cited by Natera, Inc.); PubMed 22135276 (cited by Counsyl); PubMed 24944099 (cited by Counsyl).

NM_206933.4(USH2A):c.852_853del

Gene: USH2A (usherin; minus strand). Cytogenetic location: 1q41.
Variant type: Microsatellite.
Coding change: c.852_853del on transcript NM_206933.4 (MANE Select); coding-DNA positions 852 to 853, 2 bases deleted (GA; older notation c.852_853delGA).
Molecular consequence: splice acceptor variant.
Genome position (GRCh38, 1-based): chr1:216,325,595-216,325,596, TC deleted on the plus strand (GA on the coding strand, the reverse complement: USH2A is on the minus strand); deleting any 2 consecutive bases within chr1:216,325,595-216,325,601 gives the same sequence; the c. name uses the placement nearest the transcript's 3' end. VCF-style (leftmost placement, unchanged base first): chr1-216325594-ATC-A. GRCh37 (hg19) VCF-style: chr1-216498936-ATC-A.
Other names: c.852_853del (NM_206933.2).
Identifiers: ClinVar variation 553452 (VCV000553452.23), dbSNP rs1188025733, ClinGen allele CA529004273.